The following is an entry in ClinVar:

NM_000282.4(PCCA):c.414+5G>A

Gene: PCCA (propionyl-CoA carboxylase subunit alpha; plus strand). Cytogenetic location: 13q32.3.
Variant type: single nucleotide variant.
Coding change: c.414+5G>A on transcript NM_000282.4 (MANE Select); 5 bases into the intron after coding-DNA position 414, G replaced by A.
Molecular consequence: intron variant.
Genome position (GRCh38, 1-based): chr13:100,155,097, G>A. VCF-style: chr13-100155097-G-A. GRCh37 (hg19) VCF-style: chr13-100807351-G-A.
Other names: c.414+5G>A (NM_000282.3, NM_001178004.2, NM_001352605.2 and 2 more transcripts); c.-453+5G>A (NM_001352610.2, NM_001352611.2, NM_001352612.2); c.336+5G>A (NM_001127692.3, NM_001352607.2, NM_001352608.2).
Identifiers: ClinVar variation 3240032 (VCV003240032.2), dbSNP rs2542867677.

ClinVar aggregate classification (germline): Likely pathogenic. Review status: criteria provided, multiple submitters, no conflicts (2 of 4 stars). 2 submissions from 2 submitters: Likely pathogenic (2). Last evaluated 2025-11-04.

Conditions:
Propionic acidemia (PROP). Also called: GLYCINEMIA, KETOTIC; HYPERGLYCINEMIA WITH KETOACIDOSIS AND LEUKOPENIA; KETOTIC HYPERGLYCINEMIA. Identifiers: Orphanet 35, MedGen C0268579, MONDO:0011628, OMIM 606054, HP:0003571.

gnomAD v4.1: 1 of 1,565,568 alleles (0.000064%); highest among the groups gnomAD compares: Non-Finnish European, 0.000088%; no homozygotes.

Submissions (2):

Natera, Inc.
Classification: Likely pathogenic for Propionic acidemia. Last evaluated: 2025-11-04. Review status: criteria provided, single submitter. Criteria: Natera Variant Classification Schema (03/2026). Collection method: clinical testing. Allele origin: germline.
Comment: The c.414+5G>A variant in PCCA is an intronic variant located outside the canonical splice sites. This variant is rare in the general population with a frequency below the threshold expected for the associated phenotype(s). This variant has been observed in one or more individuals affected with the associated recessive disease, as either homozygous or compound heterozygous with a second variant (PMID: 20549364). Functional studies show that this variant may disrupt protein function (PMID: 20549364). Computational prediction algorithms indicate this variant is likely to affect gene or protein function. Given the available evidence, this variant is classified as Likely Pathogenic.

Baylor Genetics
Classification: Likely pathogenic for Propionic acidemia. Last evaluated: 2024-02-20. Review status: criteria provided, single submitter. Criteria: ACMG Guidelines, 2015. Collection method: clinical testing. Allele origin: unknown.

Literature cited by the submitters: PubMed 20549364 (cited by Natera, Inc.).